The following is an entry in ClinVar:

ClinVar aggregate classification (germline): Uncertain significance (1 of 4 stars; one submission).

Conditions:
CACNA1E-related disorder. Also called: CACNA1E-related condition.

Allele frequency attached by ClinVar (database versions not stated): gnomAD 0.00001; TOPMed 0.00001; ESP Exome Variant Server 0.00008.
gnomAD v4.1: 1 of 1,613,602 alleles (0.000062%); highest among the groups gnomAD compares: Non-Finnish European, 0.000085%; no homozygotes.

Submission:

PreventionGenetics, part of Exact Sciences
Classification: Uncertain significance for CACNA1E-related condition. Last evaluated: 2023-05-12. Review status: criteria provided, single submitter. Criteria: ACMG Guidelines, 2015. Collection method: clinical testing. Allele origin: germline.
Comment: The CACNA1E c.1850T>C variant is predicted to result in the amino acid substitution p.Phe617Ser. To our knowledge, this variant has not been reported in the literature. This variant is reported in 0.00089% of alleles in individuals of European (Non-Finnish) descent in gnomAD. This variant is interpreted as not determined.

NM_001205293.3(CACNA1E):c.1850T>C (p.Phe617Ser)

Gene: CACNA1E (calcium voltage-gated channel subunit alpha1 E; plus strand). Cytogenetic location: 1q25.3.
Variant type: single nucleotide variant.
Coding change: c.1850T>C on transcript NM_001205293.3 (MANE Select); coding-DNA position 1850, T replaced by C.
Protein change: p.Phe617Ser; replaces phenylalanine 617 with serine.
Molecular consequence: missense variant.
Genome position (GRCh38, 1-based): chr1:181,720,304, T>C. VCF-style: chr1-181720304-T-C. GRCh37 (hg19) VCF-style: chr1-181689440-T-C.
Other names: c.1850T>C, p.Phe617Ser (NM_000721.4, NM_001205294.2); short protein forms F617S.
Identifiers: ClinVar variation 2630218 (VCV002630218.1), dbSNP rs374784506, ClinGen allele CA33820788.